The following is an entry in ClinVar:

ClinVar aggregate classification (germline): Uncertain significance. Review status: criteria provided, multiple submitters, no conflicts (2 of 4 stars). 2 submissions from 2 submitters: Uncertain significance (2). Last evaluated 2023-10-09.

Conditions:
Fanconi anemia complementation group J. Also called: BRIP1-Related Fanconi Anemia. Identifiers: Orphanet 84, MedGen C1836860, MONDO:0012187, OMIM 609054.
Familial cancer of breast. Also called: BREAST CANCER, FAMILIAL; hereditary breast carcinoma; Hereditary breast cancer. Identifiers: Orphanet 227535, MedGen C0346153, MONDO:0016419, OMIM 114480. Disease mechanism: loss of function.
Hereditary cancer-predisposing syndrome. Also called: Neoplastic Syndromes, Hereditary; Hereditary neoplastic syndrome; Tumor predisposition; Hereditary Cancer Syndrome. Identifiers: Orphanet 140162, MedGen C0027672, MeSH D009386, MONDO:0015356.

Allele frequency attached by ClinVar (database versions not stated): TOPMed below 0.00001.

Submissions (2):

Labcorp Genetics (formerly Invitae), Labcorp
Classification: Uncertain significance for Familial cancer of breast; Fanconi anemia complementation group J. Last evaluated: 2023-10-09. Review status: criteria provided, single submitter. Criteria: Invitae Variant Classification Sherloc (09022015). Collection method: clinical testing. Allele origin: germline.
Comment: This sequence change replaces histidine, which is basic and polar, with leucine, which is neutral and non-polar, at codon 493 of the BRIP1 protein (p.His493Leu). This variant is not present in population databases (gnomAD no frequency). This variant has not been reported in the literature in individuals affected with BRIP1-related conditions. ClinVar contains an entry for this variant (Variation ID: 530322). Advanced modeling of protein sequence and biophysical properties (such as structural, functional, and spatial information, amino acid conservation, physicochemical variation, residue mobility, and thermodynamic stability) performed at Invitae indicates that this missense variant is expected to disrupt BRIP1 protein function. In summary, the available evidence is currently insufficient to determine the role of this variant in disease. Therefore, it has been classified as a Variant of Uncertain Significance.

Ambry Genetics
Classification: Uncertain significance for Hereditary cancer-predisposing syndrome. Last evaluated: 2022-05-10. Review status: criteria provided, single submitter. Criteria: Ambry Variant Classification Scheme 2023. Collection method: clinical testing. Allele origin: germline.
Comment: The p.H493L variant (also known as c.1478A>T), located in coding exon 10 of the BRIP1 gene, results from an A to T substitution at nucleotide position 1478. The histidine at codon 493 is replaced by leucine, an amino acid with similar properties. This amino acid position is conserved. In addition, the in silico prediction for this alteration is inconclusive. Since supporting evidence is limited at this time, the clinical significance of this alteration remains unclear.

NM_032043.3(BRIP1):c.1478A>T (p.His493Leu)

Gene: BRIP1 (BRCA1 interacting DNA helicase 1; minus strand). Cytogenetic location: 17q23.2.
Variant type: single nucleotide variant.
Coding change: c.1478A>T on transcript NM_032043.3 (MANE Select); coding-DNA position 1478, A replaced by T.
Protein change: p.His493Leu; replaces histidine 493 with leucine.
Molecular consequence: missense variant.
Genome position (GRCh38, 1-based): chr17:61,784,420, T>A on the plus strand (A>T on the coding strand, the complement: BRIP1 is on the minus strand). VCF-style: chr17-61784420-T-A. GRCh37 (hg19) VCF-style: chr17-59861781-T-A.
Other names: short protein forms H493L.
Identifiers: ClinVar variation 530322 (VCV000530322.12), dbSNP rs1555603626, ClinGen allele CA400481768.
Genomic context (GRCh38, chr17:61,784,420, plus strand): 5'-GCCTCCTCTTTACCATAAATTGGTGAGATTTTTTCCTCTTTTTGAAGAACAGCAGAAAAA[T>A]GTCCCTATAAGAAATTACCATATTAAGTATAGAGGGGTTGGGAGGGAATTGGAAAAAGAA-3'
Protein context (NP_114432.2, residues 483-503): TTATFPILQG[His493Leu]FSAVLQKEEK